The following is an entry in ClinVar:

NM_001330700.2(TOP2B):c.4152T>A (p.Asp1384Glu)

Gene: TOP2B (DNA topoisomerase II beta; minus strand). Cytogenetic location: 3p24.2.
Variant type: single nucleotide variant.
Coding change: c.4152T>A on transcript NM_001330700.2 (MANE Select); coding-DNA position 4152, T replaced by A.
Protein change: p.Asp1384Glu; replaces aspartic acid 1384 with glutamic acid.
Molecular consequence: missense variant.
Genome position (GRCh38, 1-based): chr3:25,607,317, A>T on the plus strand (T>A on the coding strand, the complement: TOP2B is on the minus strand). VCF-style: chr3-25607317-A-T. GRCh37 (hg19) VCF-style: chr3-25648808-A-T.
Other names: c.4137T>A, p.Asp1379Glu (NM_001068.3); short protein forms D1379E, D1384E.
Identifiers: ClinVar variation 2188043 (VCV002188043.4), dbSNP rs905375654, ClinGen allele CA71624137.

ClinVar aggregate classification (germline): Uncertain significance (1 of 4 stars; one submission).

Allele frequency attached by ClinVar (database versions not stated): TOPMed below 0.00001; gnomAD exomes 0.00001.
gnomAD v4.1: 4 of 1,552,616 alleles (0.00026%); highest among the groups gnomAD compares: Admixed American, 0.0059%; no homozygotes.

Submission:

Labcorp Genetics (formerly Invitae), Labcorp
Classification: Uncertain significance. Last evaluated: 2025-06-30. Review status: criteria provided, single submitter. Criteria: Invitae Variant Classification Sherloc (09022015). Collection method: clinical testing. Allele origin: germline.
Comment: This sequence change replaces aspartic acid, which is acidic and polar, with glutamic acid, which is acidic and polar, at codon 1379 of the TOP2B protein (p.Asp1379Glu). This variant is present in population databases (no rsID available, gnomAD 0.008%). This variant has not been reported in the literature in individuals affected with TOP2B-related conditions. ClinVar contains an entry for this variant (Variation ID: 2188043). An algorithm developed to predict the effect of missense changes on protein structure and function outputs the following: PolyPhen-2: "Benign". The glutamic acid amino acid residue is found in multiple mammalian species, which suggests that this missense change does not adversely affect protein function. In summary, the available evidence is currently insufficient to determine the role of this variant in disease. Therefore, it has been classified as a Variant of Uncertain Significance.